The following is an entry in ClinVar:

ClinVar aggregate classification (germline): Conflicting classifications of pathogenicity. Review status: criteria provided, conflicting classifications (1 of 4 stars). 2 submissions from 2 submitters: Uncertain significance (1); Likely benign (1). Last evaluated 2024-11-24.

Conditions:
Progressive familial heart block type IB (PFHB1B). Identifiers: Orphanet 871, MedGen C1970298, MONDO:0011474, OMIM 604559.

Submissions (2):

Labcorp Genetics (formerly Invitae), Labcorp
Classification: Likely benign for Progressive familial heart block type IB. Last evaluated: 2024-11-24. Review status: criteria provided, single submitter. Criteria: Invitae Variant Classification Sherloc (09022015). Collection method: clinical testing. Allele origin: germline.

GeneDx
Classification: Uncertain significance. Last evaluated: 2023-05-01. Review status: criteria provided, single submitter. Criteria: GeneDx Variant Classification Process June 2021. Collection method: clinical testing. Allele origin: germline. Affected: yes.
Comment: Has not been previously published as pathogenic or benign to our knowledge; Not observed at significant frequency in large population cohorts (gnomAD); In silico analysis supports that this variant does not alter splicing

NM_017636.4(TRPM4):c.2976C>T (p.Asn992=)

Gene: TRPM4 (transient receptor potential cation channel subfamily M member 4; plus strand). Cytogenetic location: 19q13.33.
Variant type: single nucleotide variant.
Coding change: c.2976C>T on transcript NM_017636.4 (MANE Select); coding-DNA position 2976, C replaced by T.
Protein change: p.Asn992=; no amino-acid change (asparagine 992 retained).
Molecular consequence: synonymous variant.
Genome position (GRCh38, 1-based): chr19:49,201,986, C>T. VCF-style: chr19-49201986-C-T. GRCh37 (hg19) VCF-style: chr19-49705243-C-T.
Other names: c.2541C>T, p.Asn847= (NM_001195227.2); c.2631C>T, p.Asn877= (NM_001321281.2); c.1368C>T, p.Asn456= (NM_001321282.2); c.2454C>T, p.Asn818= (NM_001321283.2); c.1914C>T, p.Asn638= (NM_001321285.2); c.2976C>T (NM_017636.3).
Identifiers: ClinVar variation 1559544 (VCV001559544.8), dbSNP rs1196091318, ClinGen allele CA508105014.
Genomic context (GRCh38, chr19:49,201,986, plus strand): 5'-GTCCCCCTCACCCCATCTCTGAATGTCTCTCTTCACAGTGGCCCTCATGGAGCACAGCAA[C>T]TGCTCGTCGGAGCCCGGCTTCTGGGCACACCCTCCTGGGGCCCAGGCGGGCACCTGCGTC-3'
Protein context (NP_060106.2, residues 982-1002): DMDVALMEHS[Asn992=]CSSEPGFWAH